The following is an entry in ClinVar:

NM_000038.6(APC):c.115A>G (p.Thr39Ala)

Gene: APC (APC regulator of Wnt signaling pathway; plus strand). Cytogenetic location: 5q22.2.
Variant type: single nucleotide variant.
Coding change: c.115A>G on transcript NM_000038.6 (MANE Select); coding-DNA position 115, A replaced by G.
Protein change: p.Thr39Ala; replaces threonine 39 with alanine.
Molecular consequence: missense variant. On other transcripts: 5 prime UTR variant (1), intron variant (8).
Genome position (GRCh38, 1-based): chr5:112,755,005, A>G. VCF-style: chr5-112755005-A-G. GRCh37 (hg19) VCF-style: chr5-112090702-A-G.
Other names: c.115A>G, p.Thr39Ala (NM_001127510.3, NM_001354895.2, NM_001354896.2 and 2 more transcripts); c.-921A>G (NM_001354906.2); c.166-11321A>G (NM_001354897.2, NM_001354902.2, NM_001127511.3); c.61-11321A>G (NM_001354898.2, NM_001354904.2); c.-42-11321A>G (NM_001354900.2, NM_001354901.2, NM_001354905.2); short protein forms T39A.
Identifiers: ClinVar variation 660113 (VCV000660113.12), dbSNP rs1581122131, ClinGen allele CA16021593.

ClinVar aggregate classification (germline): Uncertain significance. Review status: criteria provided, multiple submitters, no conflicts (2 of 4 stars). 4 submissions from 4 submitters: Uncertain significance (4). Last evaluated 2026-04-29.

Conditions:
Classic or attenuated familial adenomatous polyposis. Identifiers: MedGen CN372698, MONDO:0021057.
Familial adenomatous polyposis 1 (FAP1). Also called: FAMILIAL ADENOMATOUS POLYPOSIS 1, ATTENUATED; POLYPOSIS, ADENOMATOUS INTESTINAL. Identifiers: MedGen C2713442, MONDO:0021056, OMIM 175100. Disease mechanism: loss of function.
Hereditary cancer-predisposing syndrome. Also called: Tumor predisposition; Hereditary Cancer Syndrome; Neoplastic Syndromes, Hereditary; Hereditary neoplastic syndrome. Identifiers: Orphanet 140162, MedGen C0027672, MeSH D009386, MONDO:0015356.

Submissions (4):

Ambry Genetics
Classification: Uncertain significance for Hereditary cancer-predisposing syndrome. Last evaluated: 2026-04-29. Review status: criteria provided, single submitter. Criteria: Ambry Variant Classification Scheme 2023. Collection method: clinical testing. Allele origin: germline.
Comment: The p.T39A variant (also known as c.115A>G), located in coding exon 1 of the APC gene, results from an A to G substitution at nucleotide position 115. The threonine at codon 39 is replaced by alanine, an amino acid with similar properties. This amino acid position is well conserved in available vertebrate species. In addition, in silico predictors for this gene do not accurately predict pathogenicity. Missense variants in APC are not a common cause of disease (Spier I et al. Genet Med. 2024 Feb;26(2):100992). Based on the available evidence, the clinical significance of this variant remains unclear.

Color Diagnostics, LLC DBA Color Health
Classification: Uncertain significance for Hereditary cancer-predisposing syndrome. Last evaluated: 2025-10-28. Review status: criteria provided, single submitter. Criteria: ACMG Guidelines, 2015. Collection method: clinical testing. Allele origin: germline.
Comment: This missense variant replaces threonine with alanine at codon 39 of the APC protein. Computational prediction suggests that this variant may not impact protein structure and function. APC is defined as a gene for which primarily truncating variants are known to cause disease (ClinGen HCCP VCEP). To our knowledge, functional studies have not been reported for this variant. This variant has not been reported in individuals affected with APC-related disorders in the literature. This variant has not been identified in the general population by the Genome Aggregation Database (gnomAD). The available evidence is insufficient to determine the role of this variant in disease conclusively. Therefore, this variant is classified as a Variant of Uncertain Significance.

Labcorp Genetics (formerly Invitae), Labcorp
Classification: Uncertain significance for Familial adenomatous polyposis 1. Last evaluated: 2025-07-09. Review status: criteria provided, single submitter. Criteria: Invitae Variant Classification Sherloc (09022015). Collection method: clinical testing. Allele origin: germline.
Comment: This sequence change replaces threonine, which is neutral and polar, with alanine, which is neutral and non-polar, at codon 39 of the APC protein (p.Thr39Ala). This variant is not present in population databases (gnomAD no frequency). This variant has not been reported in the literature in individuals affected with APC-related conditions. ClinVar contains an entry for this variant (Variation ID: 660113). Invitae Evidence Modeling of protein sequence and biophysical properties (such as structural, functional, and spatial information, amino acid conservation, physicochemical variation, residue mobility, and thermodynamic stability) indicates that this missense variant is not expected to disrupt APC protein function with a negative predictive value of 95%. In summary, the available evidence is currently insufficient to determine the role of this variant in disease. Therefore, it has been classified as a Variant of Uncertain Significance.

All of Us Research Program, National Institutes of Health
Classification: Uncertain significance for Classic or attenuated familial adenomatous polyposis. Last evaluated: 2023-04-03. Review status: criteria provided, single submitter. Criteria: ACMG Guidelines, 2015. Collection method: clinical testing. Allele origin: germline. Inheritance: Autosomal dominant inheritance. Observed: 1 variant allele, 1 heterozygote.
Comment: This missense variant replaces threonine with alanine at codon 39 of the APC protein. Computational prediction suggests that this variant may not impact protein structure and function (internally defined REVEL score threshold <= 0.5, PMID: 27666373). To our knowledge, functional studies have not been reported for this variant. This variant has not been reported in individuals affected with APC-related disorders in the literature. This variant has not been identified in the general population by the Genome Aggregation Database (gnomAD). The available evidence is insufficient to determine the role of this variant in disease conclusively. Therefore, this variant is classified as a Variant of Uncertain Significance.

This study involves interpretation of variants in research participants for the purpose of population health screening. Participant phenotype was not available at the time of variant classification. Additional details can be found in publication PMID: 35346344, PMCID: PMC8962531